The following is an entry in ClinVar:

NM_003737.4(DCHS1):c.3687C>T (p.Arg1229=)

Gene: DCHS1 (dachsous cadherin-related 1; minus strand). Cytogenetic location: 11p15.4.
Variant type: single nucleotide variant.
Coding change: c.3687C>T on transcript NM_003737.4 (MANE Select); coding-DNA position 3687, C replaced by T.
Protein change: p.Arg1229=; no amino-acid change (arginine 1229 retained).
Molecular consequence: synonymous variant.
Genome position (GRCh38, 1-based): chr11:6,631,396, G>A on the plus strand (C>T on the coding strand, the complement: DCHS1 is on the minus strand). VCF-style: chr11-6631396-G-A. GRCh37 (hg19) VCF-style: chr11-6652627-G-A.
Other names: c.3687C>T (NM_003737.3).
Identifiers: ClinVar variation 1595420 (VCV001595420.39), dbSNP rs200997946, ClinGen allele CA5860456.

ClinVar aggregate classification (germline): Likely benign. Review status: criteria provided, multiple submitters, no conflicts (2 of 4 stars). 3 submissions from 3 submitters: Likely benign (2). 1 of the submissions does not count toward it. Last evaluated 2026-02-01.

Conditions:
DCHS1-related disorder. Also called: DCHS1-related condition.

Allele frequency attached by ClinVar (database versions not stated): ExAC 0.00013; gnomAD 0.00014; ESP Exome Variant Server 0.00015; gnomAD exomes 0.00016; 1000 Genomes Project 0.00040; 1000 Genomes Project 30x 0.00047.
gnomAD v4.1: 209 of 1,613,976 alleles (0.013%); highest among the groups gnomAD compares: Admixed American, 0.028%; no homozygotes.

Submissions (3):

CeGaT Center for Human Genetics Tuebingen
Classification: Likely benign. Last evaluated: 2026-02-01. Review status: criteria provided, single submitter. Criteria: CeGaT Center For Human Genetics Tuebingen Variant Classification Criteria Version 2. Collection method: clinical testing. Allele origin: germline. Affected: yes. Observed: 5 variant alleles.
Comment: DCHS1: BP4, BP7

Labcorp Genetics (formerly Invitae), Labcorp
Classification: Likely benign. Last evaluated: 2026-01-11. Review status: criteria provided, single submitter. Criteria: Invitae Variant Classification Sherloc (09022015). Collection method: clinical testing. Allele origin: germline.

PreventionGenetics, part of Exact Sciences
Classification: Likely benign for DCHS1-related condition. Last evaluated: 2019-08-06. Review status: no assertion criteria provided. Collection method: clinical testing. Allele origin: germline. Not counted in ClinVar's aggregate classification.
Comment: This variant is classified as likely benign based on ACMG/AMP sequence variant interpretation guidelines (Richards et al. 2015 PMID: 25741868, with internal and published modifications).